The following is an entry in ClinVar:

NM_001127898.4(CLCN5):c.2129T>G (p.Leu710Arg)

Genes: CLCN5 (Cl-/H+ antiporter 5; plus strand), LOC126863258 (BRD4-independent group 4 enhancer GRCh37_chrX:49854497-49855696; plus strand). Cytogenetic location: Xp11.23.
Variant type: single nucleotide variant.
Coding change: c.2129T>G on transcript NM_001127898.4 (MANE Select); coding-DNA position 2129, T replaced by G.
Protein change: p.Leu710Arg; replaces leucine 710 with arginine.
Molecular consequence: missense variant.
Genome position (GRCh38, 1-based): chrX:50,090,500, T>G. VCF-style: chrX-50090500-T-G. GRCh37 (hg19) VCF-style: chrX-49855157-T-G.
Other names: c.1919T>G, p.Leu640Arg (NM_000084.5); c.2129T>G, p.Leu710Arg (NM_001127899.4); c.1979T>G, p.Leu660Arg (NM_001282163.2); short protein forms L640R, L660R, L710R.
Identifiers: ClinVar variation 3370338 (VCV003370338.1).
Genomic context (GRCh38, chrX:50,090,500, plus strand): 5'-TCCCAGTGGTGGTATCCCGGGAGTCCCAAAGACTTGTGGGCTTTGTCCTCCGAAGAGATC[T>G]CATTATTTCAATTGGTAAGGATTTCAGAAAGGGGATAGTGGAATCCACTGTGGAACTCAA-3'
Protein context (NP_001121370.1, residues 700-720): RLVGFVLRRD[Leu710Arg]IISIENARKK

ClinVar aggregate classification (germline): Uncertain significance (1 of 4 stars; one submission).

Conditions:
Dent disease type 1 (DENT1). Also called: NEPHROLITHIASIS 2; NEPHROLITHIASIS, HYPERCALCIURIC, X-LINKED. Identifiers: Orphanet 1652, Orphanet 93622, MedGen C1848336, MONDO:0010225, OMIM 300009.

Submission:

MVZ Medizinische Genetik Mainz
Classification: Uncertain significance for Dent disease type 1. Last evaluated: 2024-10-04. Review status: criteria provided, single submitter. Criteria: UK Practice Guidelines For Variant Classification V4 01 2020. Collection method: clinical testing. Allele origin: germline. Inheritance: X-linked dominant inheritance. Affected: yes. Observed: 1 variant allele.
Comment: ACMG Criteria: PP3_STR,PM2_SUP